The following is an entry in ClinVar:

ClinVar aggregate classification (germline): Benign (1 of 4 stars; one submission).

Allele frequency attached by ClinVar (database versions not stated): gnomAD exomes 0.73814; gnomAD 0.78331; 1000 Genomes Project 30x 0.80122; 1000 Genomes Project 0.81350.
gnomAD v4.1: 1,177,954 of 1,587,254 alleles (74%); highest among the groups gnomAD compares: African/African-American, 90%; 441,309 homozygotes.

Submission:

Unidad de Genómica Garrahan, Hospital de Pediatría Garrahan
Classification: Benign. Last evaluated: 2023-11-12. Review status: criteria provided, single submitter. Criteria: ACMG Guidelines, 2015. Collection method: clinical testing. Allele origin: germline. Affected: no. Observed: 91 variant alleles.
Comment: This variant is classified as Benign based on local population frequency. This variant was detected in 95% of patients studied by a panel of primary immunodeficiencies. Number of patients: 91. Only high quality variants are reported.

NM_017414.4(USP18):c.892-57G>A

Gene: USP18 (ubiquitin specific peptidase 18; plus strand). Cytogenetic location: 22q11.21.
Variant type: single nucleotide variant.
Coding change: c.892-57G>A on transcript NM_017414.4 (MANE Select); 57 bases into the intron before coding-DNA position 892, G replaced by A.
Molecular consequence: intron variant.
Genome position (GRCh38, 1-based): chr22:18,173,093, G>A. VCF-style: chr22-18173093-G-A. GRCh37 (hg19) VCF-style: chr22-18655860-G-A.
Identifiers: ClinVar variation 2628187 (VCV002628187.2), dbSNP rs4819484, ClinGen allele CA14919848.